The following is an entry in ClinVar:

ClinVar aggregate classification (germline): Uncertain significance. Review status: criteria provided, multiple submitters, no conflicts (2 of 4 stars). 2 submissions from 2 submitters: Uncertain significance (2). Last evaluated 2024-11-18.

Conditions:
Inborn genetic diseases. Identifiers: MedGen C0950123, MeSH D030342.

Allele frequency attached by ClinVar (database versions not stated): gnomAD exomes below 0.00001; gnomAD 0.00001; TOPMed 0.00002.
gnomAD v4.1: 7 of 1,613,954 alleles (0.00043%); highest among the groups gnomAD compares: African/African-American, 0.0027%; no homozygotes.

Submissions (2):

Labcorp Genetics (formerly Invitae), Labcorp
Classification: Uncertain significance. Last evaluated: 2024-11-18. Review status: criteria provided, single submitter. Criteria: Invitae Variant Classification Sherloc (09022015). Collection method: clinical testing. Allele origin: germline.
Comment: This sequence change replaces glutamic acid, which is acidic and polar, with lysine, which is basic and polar, at codon 627 of the ADCY5 protein (p.Glu627Lys). This variant is present in population databases (no rsID available, gnomAD 0.01%). This variant has not been reported in the literature in individuals affected with ADCY5-related conditions. ClinVar contains an entry for this variant (Variation ID: 2252381). Invitae Evidence Modeling of protein sequence and biophysical properties (such as structural, functional, and spatial information, amino acid conservation, physicochemical variation, residue mobility, and thermodynamic stability) has been performed for this missense variant. However, the output from this modeling did not meet the statistical confidence thresholds required to predict the impact of this variant on ADCY5 protein function. In summary, the available evidence is currently insufficient to determine the role of this variant in disease. Therefore, it has been classified as a Variant of Uncertain Significance.

Ambry Genetics
Classification: Uncertain significance for Inborn genetic diseases. Last evaluated: 2021-09-27. Review status: criteria provided, single submitter. Criteria: Ambry Variant Classification Scheme 2023. Collection method: clinical testing. Allele origin: germline.

NM_183357.3(ADCY5):c.1879G>A (p.Glu627Lys)

Gene: ADCY5 (adenylate cyclase 5; minus strand). Cytogenetic location: 3q21.1.
Variant type: single nucleotide variant.
Coding change: c.1879G>A on transcript NM_183357.3 (MANE Select); coding-DNA position 1879, G replaced by A.
Protein change: p.Glu627Lys; replaces glutamic acid 627 with lysine.
Molecular consequence: missense variant.
Genome position (GRCh38, 1-based): chr3:123,327,686, C>T on the plus strand (G>A on the coding strand, the complement: ADCY5 is on the minus strand). VCF-style: chr3-123327686-C-T. GRCh37 (hg19) VCF-style: chr3-123046533-C-T.
Other names: c.829G>A, p.Glu277Lys (NM_001199642.1); c.1879G>A, p.Glu627Lys (NM_001378259.1); short protein forms E277K, E627K.
Identifiers: ClinVar variation 2252381 (VCV002252381.4), dbSNP rs1335271413, ClinGen allele CA354219219.